The following is an entry in ClinVar:

ClinVar aggregate classification (germline): Pathogenic (1 of 4 stars; one submission).

Conditions:
Hereditary angioedema type 1 (HAE1). Identifiers: Orphanet 100050, Orphanet 100051, Orphanet 91378, MedGen C2717906, MONDO:0015053, OMIM 106100.

Submission:

DNA-diagnostics Laboratory, Research Centre For Medical Genetics
Classification: Pathogenic for Hereditary angioedema type 1. Last evaluated: 2024-07-07. Review status: criteria provided, single submitter. Criteria: ACMG Guidelines, 2015. Collection method: research. Allele origin: germline. Inheritance: Autosomal dominant inheritance. Affected: yes. Observed: 2 variant alleles, 2 heterozygotes.
Comment: The c.808_809delinsCAA variant in SERPING1 meets ACMG/ClinGen SVI guidance criteria to be classified as pathogenic: PVS1, PP4_Str, PM2_Sup

NM_000062.3(SERPING1):c.808_809delinsCAA (p.Thr270fs)

Gene: SERPING1 (serpin family G member 1; plus strand). Cytogenetic location: 11q12.1.
Variant type: Indel.
Coding change: c.808_809delinsCAA on transcript NM_000062.3 (MANE Select); coding-DNA positions 808 to 809, AC replaced by CAA.
Protein change: p.Thr270fs; shifts the reading frame from threonine 270.
Molecular consequence: frameshift variant.
Genome position (GRCh38, 1-based): chr11:57,606,132-57,606,133, AC replaced by CAA. VCF-style: chr11-57606132-AC-CAA. GRCh37 (hg19) VCF-style: chr11-57373605-AC-CAA.
Other names: c.808_809delinsCAA, p.Thr270fs (NM_001032295.2); short protein forms T270fs.
Identifiers: ClinVar variation 3252011 (VCV003252011.2), dbSNP rs2495440958.
Genomic context (GRCh38, chr11:57,606,132, plus strand): 5'-GTCCTAAGCAACAACAGTGACGCCAACTTGGAGCTCATCAACACCTGGGTGGCCAAGAAC[AC>CAA]CAACAACAAGATCAGCCGGCTGCTAGACAGTCTGCCCTCCGATACCCGCCTTGTCCTCCT-3'